The following is an entry in ClinVar:

ClinVar aggregate classification (germline): Uncertain significance (1 of 4 stars; one submission).

Conditions:
Episodic ataxia type 2 (EA2). Also called: CEREBELLAR ATAXIA, PAROXYSMAL, ACETAZOLAMIDE-RESPONSIVE; CEREBELLOPATHY, HEREDITARY PAROXYSMAL; EPISODIC ATAXIA, NYSTAGMUS-ASSOCIATED; ACETAZOLAMIDE-RESPONSIVE HEREDITARY PAROXYSMAL CEREBELLAR ATAXIA; ATAXIA, EPISODIC, WITH NYSTAGMUS; ATAXIA, FAMILIAL PAROXYSMAL. Identifiers: Orphanet 97, MedGen C1720416, MONDO:0007163, OMIM 108500.
Developmental and epileptic encephalopathy, 42 (DEE42A). Also called: Epileptic encephalopathy, early infantile, 42; DEVELOPMENTAL AND EPILEPTIC ENCEPHALOPATHY 42A; EPILEPTIC ENCEPHALOPATHY, EARLY INFANTILE, 42A. Identifiers: MedGen C4310716, MONDO:0014917, OMIM 617106.

Allele frequency attached by ClinVar (database versions not stated): gnomAD exomes below 0.00001.
gnomAD v4.1: 2 of 1,613,952 alleles (0.00012%); highest among the groups gnomAD compares: African/African-American, 0.0027%; no homozygotes.

Submission:

Labcorp Genetics (formerly Invitae), Labcorp
Classification: Uncertain significance for Developmental and epileptic encephalopathy, 42; Episodic ataxia type 2. Last evaluated: 2023-07-30. Review status: criteria provided, single submitter. Criteria: Invitae Variant Classification Sherloc (09022015). Collection method: clinical testing. Allele origin: germline.
Comment: This sequence change replaces proline, which is neutral and non-polar, with serine, which is neutral and polar, at codon 1217 of the CACNA1A protein (p.Pro1217Ser). This variant is not present in population databases (gnomAD no frequency). This variant has not been reported in the literature in individuals affected with CACNA1A-related conditions. Advanced modeling of protein sequence and biophysical properties (such as structural, functional, and spatial information, amino acid conservation, physicochemical variation, residue mobility, and thermodynamic stability) performed at Invitae indicates that this missense variant is not expected to disrupt CACNA1A protein function. In summary, the available evidence is currently insufficient to determine the role of this variant in disease. Therefore, it has been classified as a Variant of Uncertain Significance.

NM_001127222.2(CACNA1A):c.3646C>T (p.Pro1216Ser)

Gene: CACNA1A (calcium voltage-gated channel subunit alpha1 A; minus strand). Cytogenetic location: 19p13.13.
Variant type: single nucleotide variant.
Coding change: c.3646C>T on transcript NM_001127222.2 (MANE Select); coding-DNA position 3646, C replaced by T.
Protein change: p.Pro1216Ser; replaces proline 1216 with serine.
Molecular consequence: missense variant.
Genome position (GRCh38, 1-based): chr19:13,285,114, G>A on the plus strand (C>T on the coding strand, the complement: CACNA1A is on the minus strand). VCF-style: chr19-13285114-G-A. GRCh37 (hg19) VCF-style: chr19-13395928-G-A.
Other names: c.3658C>T, p.Pro1220Ser (NM_000068.4, NM_023035.3); c.3649C>T, p.Pro1217Ser (NM_001127221.2, NM_001174080.2); short protein forms P1217S, P1216S, P1220S.
Identifiers: ClinVar variation 2950477 (VCV002950477.3), dbSNP rs2512848383, ClinGen allele CA404340922.